The following is an entry in ClinVar:

GRCh38/hg38 21q22.11-22.12(chr21:33875015-34972115)x1

Genes: CLIC6 (CLIC family member 6; plus strand), ATP5PO (ATP synthase peripheral stalk subunit OSCP; minus strand), C21orf140 (chromosome 21 open reading frame 140; minus strand), ITSN1 (intersectin 1; plus strand), KCNE1 (potassium voltage-gated channel subfamily E regulatory subunit 1; minus strand) and 55 more. Cytogenetic location: 21q22.11-22.12.
Variant type: copy number loss.
Change: copy number 1 (one copy instead of two) of chr21:33,875,015-34,972,115 (1.10 Mb, GRCh38 coordinates, 1-based), cytogenetic band 21q22.11-22.12.
Identifiers: ClinVar variation 4686718 (VCV004686718.1).

ClinVar aggregate classification (germline): Likely pathogenic (1 of 4 stars; one submission).

Conditions:
Braddock-Carey syndrome 1. Identifiers: MedGen C5774188, MONDO:0859569, OMIM 619980.

Submission:

The Central Laboratory of Birth Defects Prevention and Control, The Affiliated Women and Children's Hospital of Ningbo University
Classification: Likely pathogenic for Braddock-Carey syndrome 1. Last evaluated: 2025-11-28. Review status: criteria provided, single submitter. Criteria: ACMG/ClinGen CNV Guidelines, 2019. Collection method: clinical testing. Allele origin: maternal. Affected: yes.
Comment: This copy number loss involves 13 protein-coding genes, including KCNE1 (OMIM 176261), KCNE2 (OMIM 603796), ATP5PO (OMIM 600828) and intron 2-3’UTR of RUNX1 (OMIM 151385). The RUNX1 gene is a haploinsufficiency-sensitive gene (ClinGen haploinsuffciency score = 3), and may cause familial platelet disorder with associated myeloid malignancy (FPDMM) and acute myeloid leukemia (AML). It has been reported in the literature that 21q22 microdeletion are associated with Braddock-Carey syndrome (BRDCS, OMIM 619980), and patients with BRDCS mainly present with corpus callosum hypoplasia, microcephaly, high forehead, downslanting palpebral fissures, ptosis of the upper eyelid, developmental delay, hypotonia, thrombocytopenia (PMID: 22614953, 27549381, 7710573). This deletion is not reported in the DGV database, ClinGen database and Decipher database. In summary, this variant meets criteria to be classified as likely pathogenic. The ACMG/ClinGen evidence codes and points used in this curation are as follows: 1A: 0 points, 2D-4: 0.9 points, 3B: 0 points; Total: 0.9 points (PMID: 31690835).

Literature cited by the submitters: PubMed 22614953; PubMed 27549381; PubMed 7710573.